The following is an entry in ClinVar:

ClinVar aggregate classification (germline): Uncertain significance (1 of 4 stars; one submission).

Submission:

Ambry Genetics
Classification: Uncertain significance. Last evaluated: 2021-12-10. Review status: criteria provided, single submitter. Criteria: Ambry Variant Classification Scheme 2023. Collection method: clinical testing. Allele origin: germline.
Comment: The p.K1236N variant (also known as c.3708A>C), located in coding exon 17 of the NPAT gene, results from an A to C substitution at nucleotide position 3708. The lysine at codon 1236 is replaced by asparagine, an amino acid with similar properties. This amino acid position is conserved. In addition, this alteration is predicted to be tolerated by in silico analysis. Since supporting evidence is limited at this time, the clinical significance of this alteration remains unclear.

NM_002519.3(NPAT):c.3708A>C (p.Lys1236Asn)

Gene: NPAT (nuclear protein, coactivator of histone transcription; minus strand). Cytogenetic location: 11q22.3.
Variant type: single nucleotide variant.
Coding change: c.3708A>C on transcript NM_002519.3 (MANE Select); coding-DNA position 3708, A replaced by C.
Protein change: p.Lys1236Asn; replaces lysine 1236 with asparagine.
Molecular consequence: missense variant.
Genome position (GRCh38, 1-based): chr11:108,161,378, T>G on the plus strand (A>C on the coding strand, the complement: NPAT is on the minus strand). VCF-style: chr11-108161378-T-G. GRCh37 (hg19) VCF-style: chr11-108032105-T-G.
Other names: c.3729A>C, p.Lys1243Asn (NM_001321307.1); short protein forms K1236N, K1243N.
Identifiers: ClinVar variation 1734150 (VCV001734150.2), dbSNP rs2496694961, ClinGen allele CA382510219.